The following is an entry in ClinVar:

ClinVar aggregate classification (germline): Uncertain significance (1 of 4 stars; one submission).

gnomAD v4.1: 7 of 1,612,858 alleles (0.00043%); highest among the groups gnomAD compares: Non-Finnish European, 0.00059%; no homozygotes.

Submission:

Labcorp Genetics (formerly Invitae), Labcorp
Classification: Uncertain significance. Last evaluated: 2025-01-22. Review status: criteria provided, single submitter. Criteria: Invitae Variant Classification Sherloc (09022015). Collection method: clinical testing. Allele origin: germline.
Comment: This sequence change replaces glutamine, which is neutral and polar, with arginine, which is basic and polar, at codon 384 of the RFWD3 protein (p.Gln384Arg). This variant is present in population databases (rs770817600, gnomAD 0.002%). This variant has not been reported in the literature in individuals affected with RFWD3-related conditions. An algorithm developed to predict the effect of missense changes on protein structure and function (PolyPhen-2) suggests that this variant is likely to be tolerated. In summary, the available evidence is currently insufficient to determine the role of this variant in disease. Therefore, it has been classified as a Variant of Uncertain Significance.

NM_018124.4(RFWD3):c.1151A>G (p.Gln384Arg)

Gene: RFWD3 (ring finger and WD repeat domain 3; minus strand). Cytogenetic location: 16q23.1.
Variant type: single nucleotide variant.
Coding change: c.1151A>G on transcript NM_018124.4 (MANE Select); coding-DNA position 1151, A replaced by G.
Protein change: p.Gln384Arg; replaces glutamine 384 with arginine.
Molecular consequence: missense variant.
Genome position (GRCh38, 1-based): chr16:74,637,899, T>C on the plus strand (A>G on the coding strand, the complement: RFWD3 is on the minus strand). VCF-style: chr16-74637899-T-C. GRCh37 (hg19) VCF-style: chr16-74671797-T-C.
Other names: c.1151A>G, p.Gln384Arg (NM_001370534.1, NM_001370535.1, NM_001370536.1); c.317A>G, p.Gln106Arg (NM_001370537.1, NM_001370539.1, NM_001370540.1 and 2 more transcripts); short protein forms Q384R, Q106R.
Identifiers: ClinVar variation 3729402 (VCV003729402.2).
Genomic context (GRCh38, chr16:74,637,899, plus strand): 5'-AGAAAGGACAAACGTACCTGAACACGCCTTTGAAGCCTAGTGCACTTATCAGTGAGGACC[T>C]GCAGTTGGAGTCGGCACTGTGCTGATTCTAACTCGGCCTGTTTCCTTAGCATCTGTTCCT-3'
Protein context (NP_060594.3, residues 374-394): LESAQCRLQL[Gln384Arg]VLTDKCTRLQ